The following is an entry in ClinVar:

NM_018489.3(ASH1L):c.6442G>C (p.Glu2148Gln)

Gene: ASH1L (ASH1 like histone lysine methyltransferase; minus strand). Cytogenetic location: 1q22.
Variant type: single nucleotide variant.
Coding change: c.6442G>C on transcript NM_018489.3 (MANE Select); coding-DNA position 6442, G replaced by C.
Protein change: p.Glu2148Gln; replaces glutamic acid 2148 with glutamine.
Molecular consequence: missense variant.
Genome position (GRCh38, 1-based): chr1:155,370,874, C>G on the plus strand (G>C on the coding strand, the complement: ASH1L is on the minus strand). VCF-style: chr1-155370874-C-G. GRCh37 (hg19) VCF-style: chr1-155340665-C-G.
Other names: c.6457G>C, p.Glu2153Gln (NM_001366177.2); short protein forms E2148Q, E2153Q.
Identifiers: ClinVar variation 3436056 (VCV003436056.1).
Genomic context (GRCh38, chr1:155,370,874, plus strand): 5'-CAATGATGAACTGCCCAGCTTTTAGGGGCTCTTTGGTTCTGATTCCCCAACCTTTTTCCT[C>G]AGCTCGAAATCGTTCTAGACATTGCACCCATTCATGCCTCTGTATCCTCTGGTTACAGCA-3'
Protein context (NP_060959.2, residues 2138-2158): WVQCLERFRA[Glu2148Gln]EKGWGIRTKE

ClinVar aggregate classification (germline): Uncertain significance (1 of 4 stars; one submission).

Conditions:
Inborn genetic diseases. Identifiers: MedGen C0950123, MeSH D030342.

Submission:

Ambry Genetics
Classification: Uncertain significance for Inborn genetic diseases. Last evaluated: 2024-10-17. Review status: criteria provided, single submitter. Criteria: Ambry Variant Classification Scheme 2023. Collection method: clinical testing. Allele origin: germline.
Comment: The c.6442G>C (p.E2148Q) alteration is located in exon 11 (coding exon 10) of the ASH1L gene. This alteration results from a G to C substitution at nucleotide position 6442, causing the glutamic acid (E) at amino acid position 2148 to be replaced by a glutamine (Q). This variant was not reported in population-based cohorts in the Genome Aggregation Database (gnomAD). This amino acid position is highly conserved in available vertebrate species. The in silico prediction for this alteration is inconclusive. Based on insufficient or conflicting evidence, the clinical significance of this alteration remains unclear.